The following is an entry in ClinVar:

ClinVar aggregate classification (germline): Likely benign (1 of 4 stars; one submission).

Submission:

CeGaT Center for Human Genetics Tuebingen
Classification: Likely benign. Last evaluated: 2026-04-01. Review status: criteria provided, single submitter. Criteria: CeGaT Center For Human Genetics Tuebingen Variant Classification Criteria Version 2. Collection method: clinical testing. Allele origin: germline. Affected: yes. Observed: 1 variant allele.
Comment: MUC22: BP4, BP7

NM_001395414.1(MUC22):c.1854T>C (p.Asp618=)

Gene: MUC22 (mucin 22; plus strand). Cytogenetic location: 6p21.33.
Variant type: single nucleotide variant.
Coding change: c.1854T>C on transcript NM_001395414.1 (MANE Select); coding-DNA position 1854, T replaced by C.
Protein change: p.Asp618=; no amino-acid change (aspartic acid 618 retained).
Molecular consequence: synonymous variant.
Genome position (GRCh38, 1-based): chr6:31,027,285, T>C. VCF-style: chr6-31027285-T-C. GRCh37 (hg19) VCF-style: chr6-30995062-T-C.
Other names: c.1854T>C, p.Asp618= (NM_001198815.1); c.1863T>C, p.Asp621= (NM_001318484.1).
Identifiers: ClinVar variation 4872082 (VCV004872082.2).
Genomic context (GRCh38, chr6:31,027,285, plus strand): 5'-CTCTACCACAGGCTCTGAGACCACCACAGCCTCCATCATGGGCTCTGAGACCAGCACAGA[T>C]TCTACCACAGGCTCTGAGACCACCACAGCCTCTACTGAAGGCTCTGAGACCACCACAGCT-3'
Protein context (NP_001382343.1, residues 608-628): ASIMGSETST[Asp618=]STTGSETTTA